The following is an entry in ClinVar:

ClinVar aggregate classification (germline): Uncertain significance (1 of 4 stars; one submission).

Conditions:
Inborn genetic diseases. Identifiers: MedGen C0950123, MeSH D030342.

gnomAD v4.1: 1 of 1,614,140 alleles (0.000062%); highest among the groups gnomAD compares: Non-Finnish European, 0.000085%; no homozygotes.

Submission:

Ambry Genetics
Classification: Uncertain significance for Inborn genetic diseases. Last evaluated: 2026-07-29. Review status: criteria provided, single submitter. Criteria: Ambry Variant Classification Scheme 2023. Collection method: clinical testing. Allele origin: germline.
Comment: The c.2176G>C (p.V726L) alteration is located in exon 21 (coding exon 21) of the EML1 gene. This alteration results from a G to C substitution at nucleotide position 2176, causing the valine (V) at amino acid position 726 to be replaced by a leucine (L). Based on data from gnomAD, the C allele has an overall frequency of <0.001% (1/251472) total alleles studied. The highest observed frequency was 0.001% (1/113760) of European (non-Finnish) alleles. Based on insufficient or conflicting evidence, the clinical significance of this alteration remains unclear.

NM_004434.3(EML1):c.2119G>C (p.Val707Leu)

Gene: EML1 (EMAP like 1; plus strand). Cytogenetic location: 14q32.2.
Variant type: single nucleotide variant.
Coding change: c.2119G>C on transcript NM_004434.3 (MANE Select); coding-DNA position 2119, G replaced by C.
Protein change: p.Val707Leu; replaces valine 707 with leucine.
Molecular consequence: missense variant.
Genome position (GRCh38, 1-based): chr14:99,937,840, G>C. VCF-style: chr14-99937840-G-C. GRCh37 (hg19) VCF-style: chr14-100404177-G-C.
Other names: c.2176G>C, p.Val726Leu (NM_001008707.2); c.2080G>C, p.Val694Leu (NM_001375411.1); c.1987G>C, p.Val663Leu (NM_001375412.1); c.2137G>C, p.Val713Leu (NM_001440375.1); c.2005G>C, p.Val669Leu (NM_001440376.1); c.1948G>C, p.Val650Leu (NM_001440377.1); short protein forms V726L, V650L, V694L, V669L, V707L, V713L, V663L.
Identifiers: ClinVar variation 5035921 (VCV005035921.1).